The following is an entry in ClinVar:

ClinVar aggregate classification (germline): Pathogenic. Review status: criteria provided, multiple submitters, no conflicts (2 of 4 stars). 3 submissions from 3 submitters: Pathogenic (3). Last evaluated 2024-05-08.

Conditions:
USH2A-related disorder. Also called: USH2A-related disorders; USH2A-related condition. Identifiers: MedGen CN239332.

Submissions (3):

Myriad Genetics, Inc.
Classification: Pathogenic for USH2A-related disorder. Last evaluated: 2024-05-08. Review status: criteria provided, single submitter. Criteria: Myriad Autosomal Dominant, Autosomal Recessive and X-Linked Classification Criteria (2023). Collection method: clinical testing. Allele origin: unknown.
Comment: NM_206933.2(USH2A):c.9390G>A(W3130*) is expected to be pathogenic in the context of USH2A-related disorders. This variant is predicted to lead to an abnormal or absent protein product due to the creation of a premature termination codon in USH2A, a gene where loss-of-function variants are known to be pathogenic. Please note: this variant was assessed in the context of healthy population screening.

Labcorp Genetics (formerly Invitae), Labcorp
Classification: Pathogenic. Last evaluated: 2023-02-01. Review status: criteria provided, single submitter. Criteria: Invitae Variant Classification Sherloc (09022015). Collection method: clinical testing. Allele origin: germline.
Comment: For these reasons, this variant has been classified as Pathogenic. ClinVar contains an entry for this variant (Variation ID: 284006). This variant has not been reported in the literature in individuals affected with USH2A-related conditions. This variant is not present in population databases (gnomAD no frequency). This sequence change creates a premature translational stop signal (p.Trp3130*) in the USH2A gene. It is expected to result in an absent or disrupted protein product. Loss-of-function variants in USH2A are known to be pathogenic (PMID: 10729113, 10909849, 20507924, 25649381).

Eurofins Ntd Llc (ga)
Classification: Pathogenic. Last evaluated: 2015-10-27. Review status: criteria provided, single submitter. Criteria: EGL Classification Definitions 2015. Collection method: clinical testing. Allele origin: germline. Observed: 1 variant allele, 1 heterozygote.

Literature cited by the submitters: PubMed 10729113 (cited by Labcorp Genetics (formerly Invitae), Labcorp); PubMed 10909849 (cited by Labcorp Genetics (formerly Invitae), Labcorp); PubMed 20507924 (cited by Labcorp Genetics (formerly Invitae), Labcorp); PubMed 25649381 (cited by Labcorp Genetics (formerly Invitae), Labcorp).

NM_206933.4(USH2A):c.9390G>A (p.Trp3130Ter)

Gene: USH2A (usherin; minus strand). Cytogenetic location: 1q41.
Variant type: single nucleotide variant.
Coding change: c.9390G>A on transcript NM_206933.4 (MANE Select); coding-DNA position 9390, G replaced by A.
Protein change: p.Trp3130Ter; replaces tryptophan 3130 with a stop codon.
Molecular consequence: nonsense.
Genome position (GRCh38, 1-based): chr1:215,817,177, C>T on the plus strand (G>A on the coding strand, the complement: USH2A is on the minus strand). VCF-style: chr1-215817177-C-T. GRCh37 (hg19) VCF-style: chr1-215990519-C-T.
Other names: short protein forms W3130*.
Identifiers: ClinVar variation 284006 (VCV000284006.9), dbSNP rs886042766, ClinGen allele CA10604657.